The following is an entry in ClinVar:

NM_012330.4(KAT6B):c.1235A>G (p.Lys412Arg)

Gene: KAT6B (lysine acetyltransferase 6B; plus strand). Cytogenetic location: 10q22.2.
Variant type: single nucleotide variant.
Coding change: c.1235A>G on transcript NM_012330.4 (MANE Select); coding-DNA position 1235, A replaced by G.
Protein change: p.Lys412Arg; replaces lysine 412 with arginine.
Molecular consequence: missense variant. On other transcripts: intron variant (11).
Genome position (GRCh38, 1-based): chr10:74,975,572, A>G. VCF-style: chr10-74975572-A-G. GRCh37 (hg19) VCF-style: chr10-76735330-A-G.
Other names: c.1235A>G, p.Lys412Arg (NM_001256468.2, NM_001370136.1, NM_001370137.1 and 1 more transcripts); c.1117+118A>G (NM_001370139.1, NM_001370140.1, NM_001370141.1 and 3 more transcripts); c.846+5797A>G (NM_001370133.1); c.193-3652A>G (NM_001370134.1); c.929-1744A>G (NM_001370143.1, NM_001370144.1); c.193-13447A>G (NM_001370135.1); short protein forms K412R.
Identifiers: ClinVar variation 2866320 (VCV002866320.5), dbSNP rs756609904, ClinGen allele CA5564379.

ClinVar aggregate classification (germline): Conflicting classifications of pathogenicity. Review status: criteria provided, conflicting classifications (1 of 4 stars). 2 submissions from 2 submitters: Uncertain significance (1); Likely benign (1). Last evaluated 2026-04-01.

Conditions:
Genitopatellar syndrome (GTPTS). Also called: Genitopatellar syndrome (GPS); ABSENT PATELLAE, SCROTAL HYPOPLASIA, RENAL ANOMALIES, FACIAL DYSMORPHISM, AND MENTAL RETARDATION. Identifiers: Orphanet 85201, MedGen C1853566, MONDO:0011640, OMIM 606170.

Allele frequency attached by ClinVar (database versions not stated): ExAC 0.00001; gnomAD 0.00002; gnomAD exomes 0.00002 and 0.00003; TOPMed 0.00002 and 0.00003.
gnomAD v4.1: 44 of 1,613,966 alleles (0.0027%); highest among the groups gnomAD compares: Non-Finnish European, 0.0027%; no homozygotes.

Submissions (2):

CeGaT Center for Human Genetics Tuebingen
Classification: Likely benign. Last evaluated: 2026-04-01. Review status: criteria provided, single submitter. Criteria: CeGaT Center For Human Genetics Tuebingen Variant Classification Criteria Version 2. Collection method: clinical testing. Allele origin: germline. Affected: yes. Observed: 1 variant allele.
Comment: KAT6B: BS2

Labcorp Genetics (formerly Invitae), Labcorp
Classification: Uncertain significance for Genitopatellar syndrome. Last evaluated: 2024-10-29. Review status: criteria provided, single submitter. Criteria: Invitae Variant Classification Sherloc (09022015). Collection method: clinical testing. Allele origin: germline.
Comment: This sequence change replaces lysine, which is basic and polar, with arginine, which is basic and polar, at codon 412 of the KAT6B protein (p.Lys412Arg). This variant is present in population databases (rs756609904, gnomAD 0.04%). This variant has not been reported in the literature in individuals affected with KAT6B-related conditions. ClinVar contains an entry for this variant (Variation ID: 2866320). An algorithm developed to predict the effect of missense changes on protein structure and function (PolyPhen-2) suggests that this variant is likely to be tolerated. In summary, the available evidence is currently insufficient to determine the role of this variant in disease. Therefore, it has been classified as a Variant of Uncertain Significance.